The following is an entry in ClinVar:

NM_000400.4(ERCC2):c.1544-1G>T

Gene: ERCC2 (ERCC excision repair 2, TFIIH core complex helicase subunit; minus strand). Cytogenetic location: 19q13.32.
Variant type: single nucleotide variant.
Coding change: c.1544-1G>T on transcript NM_000400.4 (MANE Select); the canonical splice acceptor site of the intron before coding-DNA position 1544, G replaced by T.
Molecular consequence: splice acceptor variant.
Genome position (GRCh38, 1-based): chr19:45,354,852, C>A on the plus strand (G>T on the coding strand, the complement: ERCC2 is on the minus strand). VCF-style: chr19-45354852-C-A. GRCh37 (hg19) VCF-style: chr19-45858110-C-A.
Identifiers: ClinVar variation 2675041 (VCV002675041.15), dbSNP rs2514006464, ClinGen allele CA406365634.

ClinVar aggregate classification (germline): Pathogenic/Likely pathogenic. Review status: criteria provided, multiple submitters, no conflicts (2 of 4 stars). 2 submissions from 2 submitters: Pathogenic (1); Likely pathogenic (1). Last evaluated 2024-10-01.

Conditions:
Cerebrooculofacioskeletal syndrome 2 (COFS2). Identifiers: MedGen C1853102, MONDO:0012553, OMIM 610756.

Submissions (2):

CeGaT Center for Human Genetics Tuebingen
Classification: Pathogenic. Last evaluated: 2024-10-01. Review status: criteria provided, single submitter. Criteria: CeGaT Center For Human Genetics Tuebingen Variant Classification Criteria Version 2. Collection method: clinical testing. Allele origin: germline. Affected: yes. Observed: 1 variant allele.
Comment: ERCC2: PVS1, PM2

Baylor Genetics
Classification: Likely pathogenic for Cerebrooculofacioskeletal syndrome 2. Last evaluated: 2023-08-24. Review status: criteria provided, single submitter. Criteria: ACMG Guidelines, 2015. Collection method: clinical testing. Allele origin: unknown.